The following is an entry in ClinVar:

ClinVar aggregate classification (germline): Uncertain significance (0 of 4 stars; one submission).

Conditions:
ERBIN-related disorder. Also called: ERBIN-related condition.

Submission:

PreventionGenetics, part of Exact Sciences
Classification: Uncertain significance for ERBIN-related condition. Last evaluated: 2024-01-05. Review status: no assertion criteria provided. Collection method: clinical testing. Allele origin: germline.
Comment: The ERBIN c.1610A>G variant is predicted to result in the amino acid substitution p.Glu537Gly. To our knowledge, this variant has not been reported in the literature or in a large population database, indicating this variant is rare. At this time, the clinical significance of this variant is uncertain due to the absence of conclusive functional and genetic evidence.

NM_001253697.2(ERBIN):c.1610A>G (p.Glu537Gly)

Gene: ERBIN (erbb2 interacting protein; plus strand). Cytogenetic location: 5q12.3.
Variant type: single nucleotide variant.
Coding change: c.1610A>G on transcript NM_001253697.2 (MANE Select); coding-DNA position 1610, A replaced by G.
Protein change: p.Glu537Gly; replaces glutamic acid 537 with glycine.
Molecular consequence: missense variant.
Genome position (GRCh38, 1-based): chr5:66,046,360, A>G. VCF-style: chr5-66046360-A-G. GRCh37 (hg19) VCF-style: chr5-65342188-A-G.
Other names: c.1610A>G, p.Glu537Gly (NM_001006600.3, NM_001253698.2, NM_001253699.2 and 1 more transcripts); c.1598A>G, p.Glu533Gly (NM_001253701.2); short protein forms E533G, E537G.
Identifiers: ClinVar variation 3031262 (VCV003031262.2), dbSNP rs1758441624, ClinGen allele CA359862192.